The following is an entry in ClinVar:

NM_005633.4(SOS1):c.3236C>T (p.Ala1079Val)

Gene: SOS1 (SOS Ras/Rac guanine nucleotide exchange factor 1; minus strand). Cytogenetic location: 2p22.1.
Variant type: single nucleotide variant.
Coding change: c.3236C>T on transcript NM_005633.4 (MANE Select); coding-DNA position 3236, C replaced by T.
Protein change: p.Ala1079Val; replaces alanine 1079 with valine.
Molecular consequence: missense variant.
Genome position (GRCh38, 1-based): chr2:38,995,233, G>A on the plus strand (C>T on the coding strand, the complement: SOS1 is on the minus strand). VCF-style: chr2-38995233-G-A. GRCh37 (hg19) VCF-style: chr2-39222374-G-A.
Other names: p.A1079V:GCA>GTA; c.3215C>T, p.Ala1072Val (NM_001382394.1); c.3236C>T, p.Ala1079Val (NM_001382395.1); short protein forms A1079V, A1072V.
Identifiers: ClinVar variation 181542 (VCV000181542.2), dbSNP rs730881033, ClinGen allele CA297228.
Genomic context (GRCh38, chr2:38,995,233, plus strand): 5'-GTGGTACTGGAAGCACCAGAAGCAGGCGGAGGTGTTAACGGTGTTCTTGGAGAATTTGGT[G>A]CAGATGCTGTACTTTCTGTTTCACTTTCAGGGATCCTACTATAACTAATTTTCCTTGGCT-3'
Protein context (NP_005624.2, residues 1069-1089): PESETESTAS[Ala1079Val]PNSPRTPLTP

ClinVar aggregate classification (germline): Uncertain significance (1 of 4 stars; one submission).

Submission:

GeneDx
Classification: Uncertain significance. Last evaluated: 2014-08-09. Review status: criteria provided, single submitter. Criteria: GeneDx Variant Classification (06012015). Collection method: clinical testing. Allele origin: germline. Affected: yes.
Comment: p.Ala1079Val (GCA>GTA): c.3236 C>T in exon 20 of the SOS1 gene (NM_005633.3). A variant of unknown significance has been identified in the SOS1 gene. The A1079V variant has not been published as a mutation, nor has it been reported as a benign polymorphism to our knowledge. The A1079V variant was not observed in approximately 6,500 individuals of European and African American ancestry in the NHLBI Exome Sequencing Project, indicating it is not a common benign variant in these populations. Although the A1079V variant is a conservative amino acid substitution, which has likely no impact on secondary protein structure, this substitution occurs at a position that is highly conserved across species. In silico analysis is inconsistent in its predictions as to whether or not the variant is damaging to the protein structure/function. Therefore, based on the currently available information, it is unclear whether this variant is a pathogenic mutation or a rare benign variant.The variant is found in NOONAN panel(s).